The following is an entry in ClinVar:

NM_001025603.2(RFX5):c.649A>G (p.Lys217Glu)

Gene: RFX5 (regulatory factor X5; minus strand). Cytogenetic location: 1q21.3.
Variant type: single nucleotide variant.
Coding change: c.649A>G on transcript NM_001025603.2 (MANE Select); coding-DNA position 649, A replaced by G.
Protein change: p.Lys217Glu; replaces lysine 217 with glutamic acid.
Molecular consequence: missense variant.
Genome position (GRCh38, 1-based): chr1:151,343,789, T>C on the plus strand (A>G on the coding strand, the complement: RFX5 is on the minus strand). VCF-style: chr1-151343789-T-C. GRCh37 (hg19) VCF-style: chr1-151316265-T-C.
Other names: c.649A>G, p.Lys217Glu (NM_000449.4, NM_001379412.1, NM_001379413.1 and 5 more transcripts); c.529A>G, p.Lys177Glu (NM_001379419.1, NM_001379420.1); short protein forms K217E, K177E.
Identifiers: ClinVar variation 1388799 (VCV001388799.5), dbSNP rs2102063939, ClinGen allele CA341937956.
Genomic context (GRCh38, chr1:151,343,789, plus strand): 5'-AGATGAGATGCTGCTGTAGCAGGAAGCGGGCGACCTCAACGATGGAACTGAAGGACCGTT[T>C]CAGGATCCGCTCTGCCCAGTCACAGGTCAGGGCACACGCTGCCTCCACCAGTTCATCTCG-3'
Protein context (NP_001020774.1, residues 207-227): LTCDWAERIL[Lys217Glu]RSFSSIVEVA

ClinVar aggregate classification (germline): Uncertain significance (1 of 4 stars; one submission).

Conditions:
MHC class II deficiency. Also called: BLS, TYPE II; Bare lymphocyte syndrome 2. Identifiers: Orphanet 572, MedGen C5447452, MONDO:0008855.

Submission:

Labcorp Genetics (formerly Invitae), Labcorp
Classification: Uncertain significance for MHC class II deficiency. Last evaluated: 2021-12-03. Review status: criteria provided, single submitter. Criteria: Invitae Variant Classification Sherloc (09022015). Collection method: clinical testing. Allele origin: germline.
Comment: This sequence change replaces lysine, which is basic and polar, with glutamic acid, which is acidic and polar, at codon 217 of the RFX5 protein (p.Lys217Glu). This variant is not present in population databases (gnomAD no frequency). This variant has not been reported in the literature in individuals affected with RFX5-related conditions. Algorithms developed to predict the effect of missense changes on protein structure and function are either unavailable or do not agree on the potential impact of this missense change (SIFT: "Tolerated"; PolyPhen-2: "Probably Damaging"; Align-GVGD: "Class C0"). In summary, the available evidence is currently insufficient to determine the role of this variant in disease. Therefore, it has been classified as a Variant of Uncertain Significance.